The following is an entry in ClinVar:

ClinVar aggregate classification (germline): Likely pathogenic (1 of 4 stars; one submission).

Submission:

Mayo Clinic Laboratories, Mayo Clinic
Classification: Likely pathogenic. Last evaluated: 2019-05-09. Review status: criteria provided, single submitter. Criteria: ACMG Guidelines, 2015. Collection method: clinical testing. Allele origin: germline. Observed: 1 variant allele.
Comment: PVS1, PM2

NM_000037.4(ANK1):c.3235G>T (p.Glu1079Ter)

Gene: ANK1 (ankyrin 1; minus strand). Cytogenetic location: 8p11.21.
Variant type: single nucleotide variant.
Coding change: c.3235G>T on transcript NM_000037.4 (MANE Select); coding-DNA position 3235, G replaced by T.
Protein change: p.Glu1079Ter; replaces glutamic acid 1079 with a stop codon.
Molecular consequence: nonsense.
Genome position (GRCh38, 1-based): chr8:41,694,684, C>A on the plus strand (G>T on the coding strand, the complement: ANK1 is on the minus strand). VCF-style: chr8-41694684-C-A. GRCh37 (hg19) VCF-style: chr8-41552202-C-A.
Other names: c.3358G>T, p.Glu1120Ter (NM_001142446.2); c.3235G>T, p.Glu1079Ter (NM_020475.3, NM_020476.3, NM_020477.3); short protein forms E1079*, E1120*.
Identifiers: ClinVar variation 1163883 (VCV001163883.5), dbSNP rs368279119, ClinGen allele CA371060476.